The following is an entry in ClinVar:

ClinVar aggregate classification (germline): Uncertain significance (1 of 4 stars; one submission).

Conditions:
PCNT-related disorder. Also called: PCNT-related condition.

gnomAD v4.1: 2 of 1,614,006 alleles (0.00012%); highest among the groups gnomAD compares: Non-Finnish European, 0.00017%; no homozygotes.

Submission:

PreventionGenetics, part of Exact Sciences
Classification: Uncertain significance for PCNT-related condition. Last evaluated: 2025-08-06. Review status: criteria provided, single submitter. Criteria: ACMG Guidelines, 2015. Collection method: clinical testing. Allele origin: germline.
Comment: The PCNT c.8658A>C variant is predicted to result in the amino acid substitution p.Glu2886Asp. To our knowledge, this variant has not been reported in the literature. This variant is reported in 0.0065% of alleles in individuals of European (Non-Finnish) descent in gnomAD. At this time, the clinical significance of this variant is uncertain due to the absence of conclusive functional and genetic evidence.

NM_006031.6(PCNT):c.8658A>C (p.Glu2886Asp)

Gene: PCNT (pericentrin; plus strand). Cytogenetic location: 21q22.3.
Variant type: single nucleotide variant.
Coding change: c.8658A>C on transcript NM_006031.6 (MANE Select); coding-DNA position 8658, A replaced by C.
Protein change: p.Glu2886Asp; replaces glutamic acid 2886 with aspartic acid.
Molecular consequence: missense variant. On other transcripts: intron variant (1).
Genome position (GRCh38, 1-based): chr21:46,432,122, A>C. VCF-style: chr21-46432122-A-C. GRCh37 (hg19) VCF-style: chr21-47852036-A-C.
Other names: c.8160+144A>C (NM_001315529.2); short protein forms E2886D.
Identifiers: ClinVar variation 4985930 (VCV004985930.1).